The following is an entry in ClinVar:

ClinVar aggregate classification (germline): Uncertain significance (1 of 4 stars; one submission).

Conditions:
Disseminated atypical mycobacterial infection. Identifiers: MedGen C0694566.

Submission:

Labcorp Genetics (formerly Invitae), Labcorp
Classification: Uncertain significance for Disseminated atypical mycobacterial infection. Last evaluated: 2022-09-01. Review status: criteria provided, single submitter. Criteria: Invitae Variant Classification Sherloc (09022015). Collection method: clinical testing. Allele origin: germline.
Comment: A copy number gain of the genomic region encompassing the full coding sequence of the IFNGR1 gene has been identified. The boundaries of this event are unknown as they extend beyond the assayed region for this gene and therefore may encompass additional genes. As the precise location of this event is unknown, it may be in tandem or it may be located elsewhere in the genome. This variant has not been reported in the literature in individuals affected with IFNGR1-related conditions. In summary, the available evidence is currently insufficient to determine the role of this variant in disease. Therefore, it has been classified as a Variant of Uncertain Significance.

NC_000006.11:g.(?_137143759)_(137540520_?)dup

Genes: IFNGR1 (interferon gamma receptor 1; minus strand), IL20RA (interleukin 20 receptor subunit alpha; minus strand), IL22RA2 (interleukin 22 receptor subunit alpha 2; minus strand), PEX7 (peroxisomal biogenesis factor 7; plus strand), SLC35D3 (solute carrier family 35 member D3; plus strand). Cytogenetic location: 6q23.3.
Variant type: Duplication.
Identifiers: ClinVar variation 1062411 (VCV001062411.43).